The following is an entry in ClinVar:

ClinVar aggregate classification (germline): Benign/Likely benign. Review status: criteria provided, multiple submitters, no conflicts (2 of 4 stars). 11 submissions from 11 submitters: Benign (4); Likely benign (6). 1 of the submissions does not count toward it. Last evaluated 2026-07-23.

Conditions:
Hereditary cancer-predisposing syndrome. Also called: Hereditary Cancer Syndrome; Tumor predisposition; Hereditary neoplastic syndrome; Neoplastic Syndromes, Hereditary. Identifiers: Orphanet 140162, MedGen C0027672, MeSH D009386, MONDO:0015356.
SMARCA4-related disorder. Also called: SMARCA4-related condition.
Coffin-Siris syndrome. Identifiers: Orphanet 1465, MedGen C0265338, MONDO:0015452.
Intellectual disability, autosomal dominant 16 (CSS4). Also called: COFFIN-SIRIS SYNDROME 4. Identifiers: Orphanet 1465, MedGen C3553249, MONDO:0013821, OMIM 614609.
Rhabdoid tumor predisposition syndrome 2 (RTPS2). Identifiers: Orphanet 231108, Orphanet 69077, MedGen C2750074, MONDO:0013224, OMIM 613325.

Allele frequency attached by ClinVar (database versions not stated): ExAC 0.00019; gnomAD exomes 0.00021; gnomAD 0.00027 and 0.00023; 1000 Genomes Project 30x 0.00062; TOPMed 0.00024; ESP Exome Variant Server 0.00031; 1000 Genomes Project 0.00080.
gnomAD v4.1: 727 of 1,612,596 alleles (0.045%); highest among the groups gnomAD compares: Non-Finnish European, 0.056%; 1 homozygote.

Submissions (11):

Myriad Genetics, Inc.
Classification: Benign for Rhabdoid tumor predisposition syndrome 2. Last evaluated: 2026-07-23. Review status: criteria provided, single submitter. Criteria: Myriad Autosomal Dominant, Autosomal Recessive and X-Linked Classification Criteria (2023). Collection method: clinical testing. Allele origin: unknown.
Comment: This variant is considered benign. This variant is a silent/synonymous amino acid change and it is not expected to impact splicing.

Labcorp Genetics (formerly Invitae), Labcorp
Classification: Likely benign for Rhabdoid tumor predisposition syndrome 2. Last evaluated: 2026-01-28. Review status: criteria provided, single submitter. Criteria: Invitae Variant Classification Sherloc (09022015). Collection method: clinical testing. Allele origin: germline.

Blueprint Genetics
Classification: Likely benign. Last evaluated: 2024-01-19. Review status: criteria provided, single submitter. Criteria: ACMG Guidelines, 2015. Collection method: clinical testing. Allele origin: germline.

Quest Diagnostics Nichols Institute San Juan Capistrano
Classification: Benign. Last evaluated: 2023-04-11. Review status: criteria provided, single submitter. Criteria: Quest Diagnostics criteria. Collection method: clinical testing. Allele origin: unknown.

CeGaT Center for Human Genetics Tuebingen
Classification: Likely benign. Last evaluated: 2022-09-01. Review status: criteria provided, single submitter. Criteria: CeGaT Center For Human Genetics Tuebingen Variant Classification Criteria Version 2. Collection method: clinical testing. Allele origin: germline. Affected: yes. Observed: 1 variant allele.
Comment: SMARCA4: BP4, BP7

Sema4
Classification: Likely benign for Hereditary cancer-predisposing syndrome. Last evaluated: 2021-07-26. Review status: criteria provided, single submitter. Criteria: Sema4 Curation Guidelines. Collection method: curation. Allele origin: germline.

Genome-Nilou Lab
Classification: Benign for Intellectual disability, autosomal dominant 16. Last evaluated: 2021-07-15. Review status: criteria provided, single submitter. Criteria: ACMG Guidelines, 2015. Collection method: clinical testing. Allele origin: germline. Affected: no.

GeneDx
Classification: Likely benign. Last evaluated: 2020-09-15. Review status: criteria provided, single submitter. Criteria: GeneDx Variant Classification Process June 2021. Collection method: clinical testing. Allele origin: germline. Affected: yes.

Illumina Laboratory Services, Illumina
Classification: Benign for Coffin-Siris syndrome. Last evaluated: 2018-01-13. Review status: criteria provided, single submitter. Criteria: ICSL Variant Classification Criteria 13 December 2019. Collection method: clinical testing. Allele origin: germline.
Comment: This variant was observed in the ICSL laboratory as part of a predisposition screen in an ostensibly healthy population. It had not been previously curated by ICSL or reported in the Human Gene Mutation Database (HGMD: prior to June 1st, 2018), and was therefore a candidate for classification through an automated scoring system. Utilizing variant allele frequency, disease prevalence and penetrance estimates, and inheritance mode, an automated score was calculated to assess if this variant is too frequent to cause the disease. Based on the score and internal cut-off values, a variant classified as benign is not then subjected to further curation. The score for this variant resulted in a classification of benign for this disease.

Ambry Genetics
Classification: Likely benign for Hereditary cancer-predisposing syndrome. Last evaluated: 2015-06-29. Review status: criteria provided, single submitter. Criteria: Ambry Variant Classification Scheme 2023. Collection method: clinical testing. Allele origin: germline.

PreventionGenetics, part of Exact Sciences
Classification: Likely benign for SMARCA4-related condition. Last evaluated: 2019-10-21. Review status: no assertion criteria provided. Collection method: clinical testing. Allele origin: germline. Not counted in ClinVar's aggregate classification.
Comment: This variant is classified as likely benign based on ACMG/AMP sequence variant interpretation guidelines (Richards et al. 2015 PMID: 25741868, with internal and published modifications).

NM_003072.5(SMARCA4):c.4512C>T (p.Pro1504=)

Gene: SMARCA4 (SWI/SNF related BAF chromatin remodeling complex subunit ATPase 4; plus strand). Cytogenetic location: 19p13.2.
Variant type: single nucleotide variant.
Coding change: c.4512C>T on transcript NM_003072.5 (MANE Select); coding-DNA position 4512, C replaced by T.
Protein change: p.Pro1504=; no amino-acid change (proline 1504 retained).
Molecular consequence: synonymous variant. On other transcripts: non-coding transcript variant (1).
Genome position (GRCh38, 1-based): chr19:11,058,342, C>T. VCF-style: chr19-11058342-C-T. GRCh37 (hg19) VCF-style: chr19-11169018-C-T.
Other names: c.4512C>T, p.Pro1504= (NM_001128844.3); c.4422C>T, p.Pro1474= (NM_001128845.2); c.4419C>T, p.Pro1473= (NM_001128846.2); c.4413C>T, p.Pro1471= (NM_001374457.1, NM_001128847.4); c.4410C>T, p.Pro1470= (NM_001128848.2); c.4608C>T, p.Pro1536= (NM_001128849.3, NM_001387283.1).
Identifiers: ClinVar variation 238478 (VCV000238478.50), dbSNP rs145435121, ClinGen allele CA9204761.